The following is an entry in ClinVar:

ClinVar aggregate classification (germline): Uncertain significance (1 of 4 stars; one submission).

Conditions:
Myopathy, tubular aggregate, 2 (TAM2). Identifiers: MedGen C4014557, MONDO:0014383, OMIM 615883.
Combined immunodeficiency due to ORAI1 deficiency. Also called: IMMUNODEFICIENCY 9. Identifiers: Orphanet 169090, Orphanet 317428, MedGen C2748568, MONDO:0013007, OMIM 612782.

Allele frequency attached by ClinVar (database versions not stated): TOPMed 0.00001; gnomAD exomes 0.00001.

Submission:

Labcorp Genetics (formerly Invitae), Labcorp
Classification: Uncertain significance for Myopathy, tubular aggregate, 2; Combined immunodeficiency due to ORAI1 deficiency. Last evaluated: 2025-02-28. Review status: criteria provided, single submitter. Criteria: Invitae Variant Classification Sherloc (09022015). Collection method: clinical testing. Allele origin: germline.
Comment: This sequence change replaces proline, which is neutral and non-polar, with serine, which is neutral and polar, at codon 209 of the ORAI1 protein (p.Pro209Ser). This variant is not present in population databases (gnomAD no frequency). This variant has not been reported in the literature in individuals affected with ORAI1-related conditions. ClinVar contains an entry for this variant (Variation ID: 1955083). Experimental studies and prediction algorithms are not available or were not evaluated, and the functional significance of this variant is currently unknown. In summary, the available evidence is currently insufficient to determine the role of this variant in disease. Therefore, it has been classified as a Variant of Uncertain Significance.

NC_000012.12:g.121641362C>T

Gene: ORAI1 (ORAI calcium release-activated calcium modulator 1; plus strand). Cytogenetic location: 12q24.31.
Variant type: single nucleotide variant.
Genome position: GRCh38 VCF-style: chr12-121641362-C-T. GRCh37 (hg19) VCF-style: chr12-122079268-C-T.
Other names: c.625C>T, p.Pro209Ser (NM_032790.4); short protein forms P209S.
Identifiers: ClinVar variation 1955083 (VCV001955083.5), dbSNP rs1893056796, ClinGen allele CA386983969.
Genomic context (GRCh38, chr12:121,641,362, plus strand): 5'-GCTGAGGTGGTGCTGCTCTGCTGGGTCAAGTTCTTGCCCCTCAAGAAGCAGCCAGGCCAG[C>T]CAAGGCCCACCAGCAAGCCCCCCGCCAGTGGCGCAGCAGCCAACGTCAGCACCAGCGGCA-3'